The following is an entry in ClinVar:

NM_002168.4(IDH2):c.62G>A (p.Trp21Ter)

Genes: IDH2 (isocitrate dehydrogenase (NADP(+)) 2; minus strand), IDH2-DT (IDH2 divergent transcript; plus strand). Cytogenetic location: 15q26.1.
Variant type: single nucleotide variant.
Coding change: c.62G>A on transcript NM_002168.4 (MANE Select); coding-DNA position 62, G replaced by A.
Protein change: p.Trp21Ter; replaces tryptophan 21 with a stop codon.
Molecular consequence: nonsense. On other transcripts: non-coding transcript variant (1), 5 prime UTR variant (1).
Genome position (GRCh38, 1-based): chr15:90,102,329, C>T on the plus strand (G>A on the coding strand, the complement: IDH2 is on the minus strand). VCF-style: chr15-90102329-C-T. GRCh37 (hg19) VCF-style: chr15-90645561-C-T.
Other names: c.-71G>A (NM_001290114.2); short protein forms W21*.
Identifiers: ClinVar variation 2989899 (VCV002989899.3), dbSNP rs776341694, ClinGen allele CA393803624.
Genomic context (GRCh38, chr15:90,102,329, plus strand): 5'-CACTCACAGTGGCGCCGCGGCTGCTCTTGCGAGGTGGGGGCTGTCAGGGCCGCCGGCGCC[C>T]AGGCCGGCCGCGAGCCTGAGGCTCTGCAGAGCGAGCGCACGACCCGCAGGTAGCCGGCCA-3'

ClinVar aggregate classification (germline): Uncertain significance (1 of 4 stars; one submission).

Conditions:
D-2-hydroxyglutaric aciduria 2 (D2HGA2). Identifiers: Orphanet 79315, MedGen C3150909, MONDO:0013345, OMIM 613657.

gnomAD v4.1: 6 of 1,364,290 alleles (0.00044%); highest among the groups gnomAD compares: Non-Finnish European, 0.00048%; no homozygotes.

Submission:

Labcorp Genetics (formerly Invitae), Labcorp
Classification: Uncertain significance for D-2-hydroxyglutaric aciduria 2. Last evaluated: 2025-02-17. Review status: criteria provided, single submitter. Criteria: Invitae Variant Classification Sherloc (09022015). Collection method: clinical testing. Allele origin: germline.
Comment: This sequence change creates a premature translational stop signal (p.Trp21*) in the IDH2 gene. It is expected to result in an absent or disrupted protein product. However, the current clinical and genetic evidence is not sufficient to establish whether loss-of-function variants in IDH2 cause disease. This variant is not present in population databases (gnomAD no frequency). This variant has not been reported in the literature in individuals affected with IDH2-related conditions. ClinVar contains an entry for this variant (Variation ID: 2989899). In summary, the available evidence is currently insufficient to determine the role of this variant in disease. Therefore, it has been classified as a Variant of Uncertain Significance.